The following is an entry in ClinVar:

ClinVar aggregate classification (germline): Benign. Review status: criteria provided, single submitter (1 of 4 stars). 2 submissions from 2 submitters: Benign (1). 1 of the submissions does not count toward it. Last evaluated 2026-02-03.

Conditions:
BLVRA-related disorder. Also called: BLVRA-related condition.

Allele frequency attached by ClinVar (database versions not stated): 1000 Genomes Project 0.10583; TOPMed 0.12550; 1000 Genomes Project 30x 0.10728; gnomAD exomes 0.11828; gnomAD 0.11862; ExAC 0.12245; ESP Exome Variant Server 0.10872.
gnomAD v4.1: 190,642 of 1,613,934 alleles (12%); highest among the groups gnomAD compares: Admixed American, 23%; 12,140 homozygotes.

Submissions (2):

Labcorp Genetics (formerly Invitae), Labcorp
Classification: Benign. Last evaluated: 2026-02-03. Review status: criteria provided, single submitter. Criteria: Invitae Variant Classification Sherloc (09022015). Collection method: clinical testing. Allele origin: germline.

PreventionGenetics, part of Exact Sciences
Classification: Benign for BLVRA-related condition. Last evaluated: 2019-10-22. Review status: no assertion criteria provided. Collection method: clinical testing. Allele origin: germline. Not counted in ClinVar's aggregate classification.
Comment: This variant is classified as benign based on ACMG/AMP sequence variant interpretation guidelines (Richards et al. 2015 PMID: 25741868, with internal and published modifications).

NM_000712.4(BLVRA):c.175T>C (p.Leu59=)

Gene: BLVRA (biliverdin reductase A; plus strand). Cytogenetic location: 7p13.
Variant type: single nucleotide variant.
Coding change: c.175T>C on transcript NM_000712.4 (MANE Select); coding-DNA position 175, T replaced by C.
Protein change: p.Leu59=; no amino-acid change (leucine 59 retained).
Molecular consequence: synonymous variant.
Genome position (GRCh38, 1-based): chr7:43,791,289, T>C. VCF-style: chr7-43791289-T-C. GRCh37 (hg19) VCF-style: chr7-43830888-T-C.
Other names: c.175T>C, p.Leu59= (NM_001253823.2); c.175T>C (NM_000712.3).
Identifiers: ClinVar variation 2118007 (VCV002118007.6), dbSNP rs1802846, ClinGen allele CA4234023.